The following is an entry in ClinVar:

NM_000426.4(LAMA2):c.1783-257C>G

Gene: LAMA2 (laminin subunit alpha 2; plus strand). Cytogenetic location: 6q22.33.
Variant type: single nucleotide variant.
Coding change: c.1783-257C>G on transcript NM_000426.4 (MANE Select); 257 bases into the intron before coding-DNA position 1783, C replaced by G.
Molecular consequence: intron variant.
Genome position (GRCh38, 1-based): chr6:129,249,855, C>G. VCF-style: chr6-129249855-C-G. GRCh37 (hg19) VCF-style: chr6-129571000-C-G.
Other names: c.1783-257C>G (NM_001079823.2).
Identifiers: ClinVar variation 673614 (VCV000673614.1), dbSNP rs113129540, ClinGen allele CA146918078.

ClinVar aggregate classification (germline): Benign (1 of 4 stars; one submission).

Allele frequency attached by ClinVar (database versions not stated): 1000 Genomes Project 0.01458; 1000 Genomes Project 30x 0.01515; gnomAD 0.01778 and 0.01917; TOPMed 0.02004.
gnomAD v4.1: 2,682 of 152,164 alleles (1.8%); highest among the groups gnomAD compares: African/African-American, 6.1%; 74 homozygotes.

Submission:

GeneDx
Classification: Benign. Last evaluated: 2018-06-16. Review status: criteria provided, single submitter. Criteria: GeneDx Variant Classification (06012015). Collection method: clinical testing. Allele origin: germline. Affected: yes.
Comment: This variant is considered likely benign or benign based on one or more of the following criteria: it is a conservative change, it occurs at a poorly conserved position in the protein, it is predicted to be benign by multiple in silico algorithms, and/or has population frequency not consistent with disease.